The following is an entry in ClinVar:

ClinVar aggregate classification (germline): Benign. Review status: criteria provided, multiple submitters, no conflicts (2 of 4 stars). 2 submissions from 2 submitters: Benign (2). Last evaluated 2019-04-19.

Allele frequency attached by ClinVar (database versions not stated): 1000 Genomes Project 30x 0.03092; 1000 Genomes Project 0.03215; gnomAD exomes 0.03582 and 0.03942; ExAC 0.03780; TOPMed 0.04333; gnomAD 0.04393 and 0.04584; ESP Exome Variant Server 0.04767.
gnomAD v4.1: 63,935 of 1,602,780 alleles (4%); highest among the groups gnomAD compares: African/African-American, 5.9%; 1,424 homozygotes.

Submissions (2):

GeneDx
Classification: Benign. Last evaluated: 2019-04-19. Review status: criteria provided, single submitter. Criteria: GeneDx Variant Classification Process June 2021. Collection method: clinical testing. Allele origin: germline. Affected: yes.
Comment: This variant is associated with the following publications: (PMID: 30389748)

Breakthrough Genomics
Classification: Benign. Review status: criteria provided, single submitter. Criteria: ACMG Guidelines, 2015. Collection method: not provided. Allele origin: germline. Inheritance: Unknown mechanism. Affected: yes.

NM_007361.4(NID2):c.1806G>T (p.Glu602Asp)

Gene: NID2 (nidogen 2; minus strand). Cytogenetic location: 14q22.1.
Variant type: single nucleotide variant.
Coding change: c.1806G>T on transcript NM_007361.4 (MANE Select); coding-DNA position 1806, G replaced by T.
Protein change: p.Glu602Asp; replaces glutamic acid 602 with aspartic acid.
Molecular consequence: missense variant.
Genome position (GRCh38, 1-based): chr14:52,042,124, C>A on the plus strand (G>T on the coding strand, the complement: NID2 is on the minus strand). VCF-style: chr14-52042124-C-A. GRCh37 (hg19) VCF-style: chr14-52508842-C-A.
Other names: short protein forms E602D.
Identifiers: ClinVar variation 1273194 (VCV001273194.2), dbSNP rs61747585, ClinGen allele CA7186896.